The following is an entry in ClinVar:

ClinVar aggregate classification (germline): Uncertain significance (1 of 4 stars; one submission).

Conditions:
Charcot-Marie-Tooth disease dominant intermediate E. Also called: CHARCOT-MARIE-TOOTH NEUROPATHY WITH FOCAL SEGMENTAL GLOMERULONEPHRITIS. Identifiers: Orphanet 93114, MedGen C4302667, MONDO:0013758, OMIM 614455.
Focal segmental glomerulosclerosis 5 (FSGS5). Identifiers: Orphanet 656, MedGen C2750475, MONDO:0013191, OMIM 613237.

Submission:

Labcorp Genetics (formerly Invitae), Labcorp
Classification: Uncertain significance for Charcot-Marie-Tooth disease dominant intermediate E; Focal segmental glomerulosclerosis 5. Last evaluated: 2024-04-17. Review status: criteria provided, single submitter. Criteria: Invitae Variant Classification Sherloc (09022015). Collection method: clinical testing. Allele origin: germline.
Comment: This sequence change replaces glutamine, which is neutral and polar, with histidine, which is basic and polar, at codon 570 of the INF2 protein (p.Gln570His). This variant is not present in population databases (gnomAD no frequency). This variant has not been reported in the literature in individuals affected with INF2-related conditions. ClinVar contains an entry for this variant (Variation ID: 1346885). Advanced modeling of protein sequence and biophysical properties (such as structural, functional, and spatial information, amino acid conservation, physicochemical variation, residue mobility, and thermodynamic stability) performed at Invitae indicates that this missense variant is not expected to disrupt INF2 protein function with a negative predictive value of 95%. In summary, the available evidence is currently insufficient to determine the role of this variant in disease. Therefore, it has been classified as a Variant of Uncertain Significance.

NM_022489.4(INF2):c.1710G>C (p.Gln570His)

Gene: INF2 (inverted formin 2; plus strand). Cytogenetic location: 14q32.33.
Variant type: single nucleotide variant.
Coding change: c.1710G>C on transcript NM_022489.4 (MANE Select); coding-DNA position 1710, G replaced by C.
Protein change: p.Gln570His; replaces glutamine 570 with histidine.
Molecular consequence: missense variant.
Genome position (GRCh38, 1-based): chr14:104,707,977, G>C. VCF-style: chr14-104707977-G-C. GRCh37 (hg19) VCF-style: chr14-105174314-G-C.
Other names: c.1710G>C, p.Gln570His (NM_001031714.4); short protein forms Q570H.
Identifiers: ClinVar variation 1346885 (VCV001346885.8), dbSNP rs2140670180, ClinGen allele CA391218130.